The following is an entry in ClinVar:

ClinVar aggregate classification (germline): Uncertain significance (1 of 4 stars; one submission).

Allele frequency attached by ClinVar (database versions not stated): TOPMed below 0.00001.

Submission:

Labcorp Genetics (formerly Invitae), Labcorp
Classification: Uncertain significance. Last evaluated: 2025-12-24. Review status: criteria provided, single submitter. Criteria: Invitae Variant Classification Sherloc (09022015). Collection method: clinical testing. Allele origin: germline.
Comment: This sequence change falls in intron 17 of the POLE gene. It does not directly change the encoded amino acid sequence of the POLE protein. It affects a nucleotide within the consensus splice site. This variant is not present in population databases (gnomAD no frequency). This variant has not been reported in the literature in individuals affected with POLE-related conditions. ClinVar contains an entry for this variant (Variation ID: 654585). Variants that disrupt the consensus splice site are a relatively common cause of aberrant splicing (PMID: 17576681, 9536098). Algorithms developed to predict the effect of sequence changes on RNA splicing suggest that this variant is not likely to affect RNA splicing. In summary, the available evidence is currently insufficient to determine the role of this variant in disease. Therefore, it has been classified as a Variant of Uncertain Significance.

Literature cited by the submitters: PubMed 17576681; PubMed 9536098.

NM_006231.4(POLE):c.1923+6A>G

Gene: POLE (DNA polymerase epsilon, catalytic subunit; minus strand). Cytogenetic location: 12q24.33.
Variant type: single nucleotide variant.
Coding change: c.1923+6A>G on transcript NM_006231.4 (MANE Select); 6 bases into the intron after coding-DNA position 1923, A replaced by G.
Molecular consequence: intron variant.
Genome position (GRCh38, 1-based): chr12:132,668,805, T>C on the plus strand (A>G on the coding strand, the complement: POLE is on the minus strand). VCF-style: chr12-132668805-T-C. GRCh37 (hg19) VCF-style: chr12-133245391-T-C.
Identifiers: ClinVar variation 654585 (VCV000654585.8), dbSNP rs1593793105, ClinGen allele CA915946748.
Genomic context (GRCh38, chr12:132,668,805, plus strand): 5'-GGGTGAGAAAGCACTTAGGGCTGGGCAGAGAGAGCTCCGACTCTGACACGGGAAGTAAAG[T>C]CTCACCTGCAGGCGGTTGGTCAGGATGATGTTGGGGTACATGGCCCCCACGTCCAGGTGG-3'